The following is an entry in ClinVar:

ClinVar aggregate classification (germline): Likely pathogenic (1 of 4 stars; one submission).

Conditions:
Bethlem myopathy 1A. Also called: MYOPATHY, BENIGN CONGENITAL, WITH CONTRACTURES; Bethlem myopathy 1; Bethlem Muscular Dystrophy. Identifiers: Orphanet 610, MedGen CN029274, MONDO:0024530, OMIM 158810.

Submission:

Labcorp Genetics (formerly Invitae), Labcorp
Classification: Likely pathogenic for Bethlem myopathy 1A. Last evaluated: 2022-06-30. Review status: criteria provided, single submitter. Criteria: Invitae Variant Classification Sherloc (09022015). Collection method: clinical testing. Allele origin: germline.
Comment: In summary, the currently available evidence indicates that the variant is pathogenic, but additional data are needed to prove that conclusively. Therefore, this variant has been classified as Likely Pathogenic. Algorithms developed to predict the effect of sequence changes on RNA splicing suggest that this variant may disrupt the consensus splice site. This variant has not been reported in the literature in individuals affected with COL6A2-related conditions. This variant is not present in population databases (gnomAD no frequency). This sequence change affects an acceptor splice site in intron 18 of the COL6A2 gene. It is expected to disrupt RNA splicing. Variants that disrupt the donor or acceptor splice site typically lead to a loss of protein function (PMID: 16199547), and loss-of-function variants in COL6A2 are known to be disease-causing for autosomal recessive COL6A2 conditions (PMID: 21280092, 20976770). However, certain variants affecting donor or acceptor splice sites in the triple helical domain of COL6A2 are expected to result in in-frame exon skipping and have been reported to cause autosomal dominant COL6A2-related conditions (PMID: 18366090).

Literature cited by the submitters: PubMed 16199547; PubMed 21280092; PubMed 20976770; PubMed 18366090.

NM_001849.4(COL6A2):c.1522-1G>C

Gene: COL6A2 (collagen type VI alpha 2 chain; plus strand). Cytogenetic location: 21q22.3.
Variant type: single nucleotide variant.
Coding change: c.1522-1G>C on transcript NM_001849.4 (MANE Select); the canonical splice acceptor site of the intron before coding-DNA position 1522, G replaced by C.
Molecular consequence: splice acceptor variant.
Genome position (GRCh38, 1-based): chr21:46,122,107, G>C. VCF-style: chr21-46122107-G-C. GRCh37 (hg19) VCF-style: chr21-47542021-G-C.
Other names: c.1522-1G>C (NM_058175.3, NM_058174.3).
Identifiers: ClinVar variation 2012578 (VCV002012578.4), dbSNP rs398123646, ClinGen allele CA410533533.
Genomic context (GRCh38, chr21:46,122,107, plus strand): 5'-ACAGCCCCCCAGCCCCACCCCGTCCTATGACCATGCTGACCGACTCAACGTCCTCCTCCA[G>C]GGAGACCCCGGCAGGCCTGGATTCAGCTACCCAGGACCCCGAGGAGCACCCGTGAGTCAC-3'